The following is an entry in ClinVar:

NM_005276.4(GPD1):c.431T>C (p.Met144Thr)

Gene: GPD1 (glycerol-3-phosphate dehydrogenase 1; plus strand). Cytogenetic location: 12q13.12.
Variant type: single nucleotide variant.
Coding change: c.431T>C on transcript NM_005276.4 (MANE Select); coding-DNA position 431, T replaced by C.
Protein change: p.Met144Thr; replaces methionine 144 with threonine.
Molecular consequence: missense variant.
Genome position (GRCh38, 1-based): chr12:50,106,358, T>C. VCF-style: chr12-50106358-T-C. GRCh37 (hg19) VCF-style: chr12-50500141-T-C.
Other names: c.362T>C, p.Met121Thr (NM_001257199.2); short protein forms M121T, M144T.
Identifiers: ClinVar variation 1032309 (VCV001032309.14), dbSNP rs146239968, ClinGen allele CA6561591.

ClinVar aggregate classification (germline): Conflicting classifications of pathogenicity. Review status: criteria provided, conflicting classifications (1 of 4 stars). 5 submissions from 5 submitters: Uncertain significance (3); Likely benign (1). 1 of the submissions does not count toward it. Last evaluated 2026-01-13.

Conditions:
GPD1-related disorder. Also called: GPD1-related condition.
Transient infantile hypertriglyceridemia and hepatosteatosis. Identifiers: Orphanet 300293, MedGen C3280953, MONDO:0013771, OMIM 614480.

Allele frequency attached by ClinVar (database versions not stated): 1000 Genomes Project 30x 0.00047; 1000 Genomes Project 0.00060; ExAC 0.00076; gnomAD exomes 0.00077 and 0.00105; TOPMed 0.00083; gnomAD 0.00095 and 0.00096; ESP Exome Variant Server 0.00108.

Submissions (5):

Labcorp Genetics (formerly Invitae), Labcorp
Classification: Likely benign. Last evaluated: 2026-01-13. Review status: criteria provided, single submitter. Criteria: Invitae Variant Classification Sherloc (09022015). Collection method: clinical testing. Allele origin: germline.

GeneDx
Classification: Uncertain significance. Last evaluated: 2024-05-24. Review status: criteria provided, single submitter. Criteria: GeneDx Variant Classification Process June 2021. Collection method: clinical testing. Allele origin: germline. Affected: yes.
Comment: Identified in patients with dyslipidemia in published literature (PMID: 36325899, 32041611); In silico analysis indicates that this missense variant does not alter protein structure/function; This variant is associated with the following publications: (PMID: 36833203, 36325899, 32041611)

Fulgent Genetics
Classification: Uncertain significance for Transient infantile hypertriglyceridemia and hepatosteatosis. Last evaluated: 2024-05-21. Review status: criteria provided, single submitter. Criteria: ACMG Guidelines, 2015. Collection method: clinical testing. Allele origin: germline.

Baylor Genetics
Classification: Uncertain significance for Transient infantile hypertriglyceridemia and hepatosteatosis. Last evaluated: 2021-06-04. Review status: criteria provided, single submitter. Criteria: ACMG Guidelines, 2015. Collection method: clinical testing. Allele origin: unknown.

PreventionGenetics, part of Exact Sciences
Classification: Likely benign for GPD1-related condition. Last evaluated: 2024-04-06. Review status: no assertion criteria provided. Collection method: clinical testing. Allele origin: germline. Not counted in ClinVar's aggregate classification.
Comment: This variant is classified as likely benign based on ACMG/AMP sequence variant interpretation guidelines (Richards et al. 2015 PMID: 25741868, with internal and published modifications).